The following is an entry in ClinVar:

ClinVar aggregate classification (germline): Uncertain significance (1 of 4 stars; one submission).

Submission:

Quest Diagnostics Nichols Institute San Juan Capistrano
Classification: Uncertain significance. Last evaluated: 2023-02-20. Review status: criteria provided, single submitter. Criteria: Quest Diagnostics criteria. Collection method: clinical testing. Allele origin: unknown.
Comment: This variant has not been reported in the published literature. It also has not been reported in large, multi-ethnic general populations. Analysis of this variant using bioinformatics tools for the prediction of the effect of amino acid changes on protein structure and function yielded predictions that this variant is benign. Based on the available information, we are unable to determine the clinical significance of this variant.

NM_000143.4(FH):c.1234A>T (p.Met412Leu)

Gene: FH (fumarate hydratase; minus strand). Cytogenetic location: 1q43.
Variant type: single nucleotide variant.
Coding change: c.1234A>T on transcript NM_000143.4 (MANE Select); coding-DNA position 1234, A replaced by T.
Protein change: p.Met412Leu; replaces methionine 412 with leucine.
Molecular consequence: missense variant.
Genome position (GRCh38, 1-based): chr1:241,502,445, T>A on the plus strand (A>T on the coding strand, the complement: FH is on the minus strand). VCF-style: chr1-241502445-T-A. GRCh37 (hg19) VCF-style: chr1-241665745-T-A.
Other names: short protein forms M412L.
Identifiers: ClinVar variation 2681938 (VCV002681938.1), dbSNP rs2527316500, ClinGen allele CA345437219.